The following is an entry in ClinVar:

NM_001364905.1(LRBA):c.4812C>G (p.Asp1604Glu)

Gene: LRBA (LPS responsive beige-like anchor protein; minus strand). Cytogenetic location: 4q31.3.
Variant type: single nucleotide variant.
Coding change: c.4812C>G on transcript NM_001364905.1 (MANE Select); coding-DNA position 4812, C replaced by G.
Protein change: p.Asp1604Glu; replaces aspartic acid 1604 with glutamic acid.
Molecular consequence: missense variant.
Genome position (GRCh38, 1-based): chr4:150,828,539, G>C on the plus strand (C>G on the coding strand, the complement: LRBA is on the minus strand). VCF-style: chr4-150828539-G-C. GRCh37 (hg19) VCF-style: chr4-151749691-G-C.
Other names: c.4812C>G, p.Asp1604Glu (NM_001199282.3, NM_001367550.1, NM_006726.5); short protein forms D1604E.
Identifiers: ClinVar variation 1357061 (VCV001357061.6), dbSNP rs147266479, ClinGen allele CA3102643.

ClinVar aggregate classification (germline): Uncertain significance (1 of 4 stars; one submission).

Conditions:
Combined immunodeficiency due to LRBA deficiency. Also called: Common variable immunodeficiency 8, with autoimmunity. Identifiers: Orphanet 445018, MedGen C3553512, MONDO:0013863, OMIM 614700.

Allele frequency attached by ClinVar (database versions not stated): gnomAD exomes below 0.00001 and 0.00001; TOPMed below 0.00001; ExAC 0.00001; gnomAD 0.00001; ESP Exome Variant Server 0.00008.
gnomAD v4.1: 6 of 1,613,994 alleles (0.00037%); highest among the groups gnomAD compares: Non-Finnish European, 0.00051%; no homozygotes.

Submission:

Labcorp Genetics (formerly Invitae), Labcorp
Classification: Uncertain significance for Combined immunodeficiency due to LRBA deficiency. Last evaluated: 2020-12-01. Review status: criteria provided, single submitter. Criteria: Invitae Variant Classification Sherloc (09022015). Collection method: clinical testing. Allele origin: germline.
Comment: In summary, the available evidence is currently insufficient to determine the role of this variant in disease. Therefore, it has been classified as a Variant of Uncertain Significance. Algorithms developed to predict the effect of missense changes on protein structure and function (SIFT, PolyPhen-2, Align-GVGD) all suggest that this variant is likely to be tolerated, but these predictions have not been confirmed by published functional studies and their clinical significance is uncertain. This variant has not been reported in the literature in individuals with LRBA-related conditions. This variant is present in population databases (rs147266479, ExAC 0.001%). This sequence change replaces aspartic acid with glutamic acid at codon 1604 of the LRBA protein (p.Asp1604Glu). The aspartic acid residue is weakly conserved and there is a small physicochemical difference between aspartic acid and glutamic acid.